The following is an entry in ClinVar:

ClinVar aggregate classification (germline): Benign/Likely benign. Review status: criteria provided, multiple submitters, no conflicts (2 of 4 stars). 3 submissions from 3 submitters: Benign (1); Likely benign (2). Last evaluated 2025-08-20.

Conditions:
Infantile-onset X-linked spinal muscular atrophy. Also called: SPINAL MUSCULAR ATROPHY, X-LINKED LETHAL INFANTILE; AMC, DISTAL, X-LINKED; ARTHROGRYPOSIS, X-LINKED, TYPE I; Spinal Muscular Atrophy, X-Linked Infantile; Spinal muscular atrophy, X-linked 2. Identifiers: Orphanet 1145, MedGen C1844934, MONDO:0010532, OMIM 301830.

Allele frequency attached by ClinVar (database versions not stated): ExAC 0.00006; gnomAD exomes 0.00007 and 0.00014; TOPMed 0.00008; ESP Exome Variant Server 0.00009; gnomAD 0.00009 and 0.00010.

Submissions (3):

Labcorp Genetics (formerly Invitae), Labcorp
Classification: Benign for Infantile-onset X-linked spinal muscular atrophy. Last evaluated: 2025-08-20. Review status: criteria provided, single submitter. Criteria: Invitae Variant Classification Sherloc (09022015). Collection method: clinical testing. Allele origin: germline.

Blueprint Genetics
Classification: Likely benign. Last evaluated: 2024-09-10. Review status: criteria provided, single submitter. Criteria: ACMG Guidelines, 2015. Collection method: clinical testing. Allele origin: germline.

GeneDx
Classification: Likely benign. Last evaluated: 2018-01-19. Review status: criteria provided, single submitter. Criteria: GeneDx Variant Classification (06012015). Collection method: clinical testing. Allele origin: germline. Affected: yes.
Comment: This variant is considered likely benign or benign based on one or more of the following criteria: it is a conservative change, it occurs at a poorly conserved position in the protein, it is predicted to be benign by multiple in silico algorithms, and/or has population frequency not consistent with disease.

NM_003334.4(UBA1):c.2003+12G>A

Gene: UBA1 (ubiquitin like modifier activating enzyme 1; plus strand). Cytogenetic location: Xp11.3.
Variant type: single nucleotide variant.
Coding change: c.2003+12G>A on transcript NM_003334.4 (MANE Select); 12 bases into the intron after coding-DNA position 2003, G replaced by A.
Molecular consequence: intron variant.
Genome position (GRCh38, 1-based): chrX:47,209,699, G>A. VCF-style: chrX-47209699-G-A. GRCh37 (hg19) VCF-style: chrX-47069098-G-A.
Other names: c.2003+12G>A (NM_153280.3).
Identifiers: ClinVar variation 514679 (VCV000514679.9), dbSNP rs373695438, ClinGen allele CA10396054.
Genomic context (GRCh38, chrX:47,209,699, plus strand): 5'-TTGAAGGCCTCTTCAAGCAGCCAGCAGAAAATGTCAACCAGTACCTCACGTGAGTAACTC[G>A]AGTGCCCTCTCGCCCTGTCCCTGTCCACCAGCCAAGGCATCCCGGCTGCTTTCCTCATGA-3'